The following is an entry in ClinVar:

NM_015330.6(SPECC1L):c.1246G>A (p.Ala416Thr)

Genes: SPECC1L (sperm antigen with calponin homology and coiled-coil domains 1 like; plus strand), SPECC1L-ADORA2A (SPECC1L-ADORA2A readthrough (NMD candidate); plus strand). Cytogenetic location: 22q11.23.
Variant type: single nucleotide variant.
Coding change: c.1246G>A on transcript NM_015330.6 (MANE Select); coding-DNA position 1246, G replaced by A.
Protein change: p.Ala416Thr; replaces alanine 416 with threonine.
Molecular consequence: missense variant. On other transcripts: non-coding transcript variant (1).
Genome position (GRCh38, 1-based): chr22:24,322,226, G>A. VCF-style: chr22-24322226-G-A. GRCh37 (hg19) VCF-style: chr22-24718194-G-A.
Other names: c.1246G>A, p.Ala416Thr (NM_001145468.4, NM_001254732.3); short protein forms A416T.
Identifiers: ClinVar variation 561337 (VCV000561337.4), dbSNP rs1569420568, ClinGen allele CA410968189.
Genomic context (GRCh38, chr22:24,322,226, plus strand): 5'-CTGACTGAACGGATACACCAGATGGAAGAGAACCAACACAGTACAAGTGAGGAACTCCAG[G>A]CAACCCTGCAAGAGCTAGCTGATTTACAGCAGATTACCCAGGAACTGAATAGTGAAAACG-3'
Protein context (NP_056145.5, residues 406-426): NQHSTSEELQ[Ala416Thr]TLQELADLQQ

ClinVar aggregate classification (germline): Pathogenic. Review status: criteria provided, single submitter (1 of 4 stars). 3 submissions from 3 submitters: Pathogenic (1). 2 of the submissions do not count toward it. Last evaluated 2023-06-03.

Conditions:
Teebi hypertelorism syndrome 1. Identifiers: Orphanet 1519, MedGen CN306405, MONDO:0800025, OMIM 145420.
Teebi hypertelorism syndrome. Identifiers: Orphanet 1519, MedGen C0796179, MONDO:0030639.

Submissions (3):

GeneDx
Classification: Pathogenic. Last evaluated: 2023-06-03. Review status: criteria provided, single submitter. Criteria: GeneDx Variant Classification Process June 2021. Collection method: clinical testing. Allele origin: germline. Affected: yes.
Comment: Not observed at significant frequency in large population cohorts (gnomAD); In silico analysis supports that this missense variant has a deleterious effect on protein structure/function; This variant is associated with the following publications: (PMID: 30472488)

OMIM
Classification: Pathogenic for TEEBI HYPERTELORISM SYNDROME 1. Last evaluated: 2022-04-06. Review status: no assertion criteria provided. Collection method: literature only. Allele origin: germline. Not counted in ClinVar's aggregate classification.

Dept of Genetics, Assistance Publique-Hôpitaux de Paris (APHP) - R DEBRE University Hospital
Classification: Likely pathogenic for Teebi hypertelorism syndrome 1. Last evaluated: 2018-06-01. Review status: no assertion criteria provided. Collection method: clinical testing. Allele origin: de novo. Affected: yes. Observed: 1 heterozygote. Segregation with disease not observed. Not counted in ClinVar's aggregate classification.

Literature cited by the submitters: PubMed 30472488 (cited by OMIM).